The following is an entry in ClinVar:

NM_001033044.4(GLUL):c.186C>T (p.Phe62=)

Gene: GLUL (glutamate-ammonia ligase; minus strand). Cytogenetic location: 1q25.3.
Variant type: single nucleotide variant.
Coding change: c.186C>T on transcript NM_001033044.4 (MANE Select); coding-DNA position 186, C replaced by T.
Protein change: p.Phe62=; no amino-acid change (phenylalanine 62 retained).
Molecular consequence: synonymous variant.
Genome position (GRCh38, 1-based): chr1:182,387,273, G>A on the plus strand (C>T on the coding strand, the complement: GLUL is on the minus strand). VCF-style: chr1-182387273-G-A. GRCh37 (hg19) VCF-style: chr1-182356408-G-A.
Other names: c.186C>T, p.Phe62= (NM_001033056.4, NM_002065.7).
Identifiers: ClinVar variation 3042614 (VCV003042614.3), dbSNP rs141126924, ClinGen allele CA1277225.

ClinVar aggregate classification (germline): Likely benign. Review status: criteria provided, single submitter (1 of 4 stars). 2 submissions from 2 submitters: Likely benign (1). 1 of the submissions does not count toward it. Last evaluated 2025-06-25.

Conditions:
GLUL-related disorder. Also called: GLUL-related condition.
Congenital brain dysgenesis due to glutamine synthetase deficiency (GLND). Also called: GLUTAMINE SYNTHASE DEFICIENCY, CONGENITAL SYSTEMIC. Identifiers: Orphanet 71278, MedGen C1864910, MONDO:0012393, OMIM 610015.

Allele frequency attached by ClinVar (database versions not stated): gnomAD 0.00003; gnomAD exomes 0.00003; TOPMed 0.00003; ExAC 0.00005; ESP Exome Variant Server 0.00008.
gnomAD v4.1: 59 of 1,612,960 alleles (0.0037%); highest among the groups gnomAD compares: South Asian, 0.03%; 1 homozygote.

Submissions (2):

Labcorp Genetics (formerly Invitae), Labcorp
Classification: Likely benign for Congenital brain dysgenesis due to glutamine synthetase deficiency. Last evaluated: 2025-06-25. Review status: criteria provided, single submitter. Criteria: Invitae Variant Classification Sherloc (09022015). Collection method: clinical testing. Allele origin: germline.

PreventionGenetics, part of Exact Sciences
Classification: Likely benign for GLUL-related condition. Last evaluated: 2019-06-20. Review status: no assertion criteria provided. Collection method: clinical testing. Allele origin: germline. Not counted in ClinVar's aggregate classification.
Comment: This variant is classified as likely benign based on ACMG/AMP sequence variant interpretation guidelines (Richards et al. 2015 PMID: 25741868, with internal and published modifications).